The following is an entry in ClinVar:

NM_003060.4(SLC22A5):c.856T>C (p.Ser286Pro)

Gene: SLC22A5 (solute carrier family 22 member 5; plus strand). Cytogenetic location: 5q31.1.
Variant type: single nucleotide variant.
Coding change: c.856T>C on transcript NM_003060.4 (MANE Select); coding-DNA position 856, T replaced by C.
Protein change: p.Ser286Pro; replaces serine 286 with proline.
Molecular consequence: missense variant.
Genome position (GRCh38, 1-based): chr5:132,387,056, T>C. VCF-style: chr5-132387056-T-C. GRCh37 (hg19) VCF-style: chr5-131722748-T-C.
Other names: c.928T>C, p.Ser310Pro (NM_001308122.2); short protein forms S286P, S310P.
Identifiers: ClinVar variation 1012027 (VCV001012027.6), dbSNP rs1752556458, ClinGen allele CA360805559.
Genomic context (GRCh38, chr5:132,387,056, plus strand): 5'-CTCACTGAGATTGGACCTTGTACTGCCAGGTTCATCCCTGAGTCCCCCCGATGGCTCATC[T>C]CTCAGGGACGATTTGAAGAGGCAGAGGTGATCATCCGCAAGGCTGCCAAAGCCAATGGGA-3'
Protein context (NP_003051.1, residues 276-296): FIPESPRWLI[Ser286Pro]QGRFEEAEVI

ClinVar aggregate classification (germline): Uncertain significance (1 of 4 stars; one submission).

Conditions:
Renal carnitine transport defect (CDSP). Also called: CARNITINE DEFICIENCY, SYSTEMIC, DUE TO DEFECT IN RENAL REABSORPTION OF CARNITINE; CARNITINE TRANSPORTER, PLASMA-MEMBRANE, DEFICIENCY OF; CARNITINE UPTAKE DEFECT; Primary carnitine deficiency; Carnitine transporter deficiency; Carnitine Deficiency, Systemic. Identifiers: Orphanet 158, MedGen C0342788, MONDO:0008919, OMIM 212140.

Allele frequency attached by ClinVar (database versions not stated): gnomAD exomes below 0.00001; TOPMed below 0.00001.
gnomAD v4.1: 1 of 1,614,106 alleles (0.000062%); highest among the groups gnomAD compares: Non-Finnish European, 0.000085%; no homozygotes.

Submission:

Labcorp Genetics (formerly Invitae), Labcorp
Classification: Uncertain significance for Renal carnitine transport defect. Last evaluated: 2022-06-14. Review status: criteria provided, single submitter. Criteria: Invitae Variant Classification Sherloc (09022015). Collection method: clinical testing. Allele origin: germline.
Comment: This sequence change replaces serine, which is neutral and polar, with proline, which is neutral and non-polar, at codon 286 of the SLC22A5 protein (p.Ser286Pro). This variant is not present in population databases (gnomAD no frequency). This variant has not been reported in the literature in individuals affected with SLC22A5-related conditions. ClinVar contains an entry for this variant (Variation ID: 1012027). Advanced modeling of protein sequence and biophysical properties (such as structural, functional, and spatial information, amino acid conservation, physicochemical variation, residue mobility, and thermodynamic stability) performed at Invitae indicates that this missense variant is expected to disrupt SLC22A5 protein function. In summary, the available evidence is currently insufficient to determine the role of this variant in disease. Therefore, it has been classified as a Variant of Uncertain Significance.